The following is an entry in ClinVar:

NM_014780.5(CUL7):c.79del (p.Arg27fs)

Gene: CUL7 (cullin 7; minus strand). Cytogenetic location: 6p21.1.
Variant type: Deletion.
Coding change: c.79del on transcript NM_014780.5 (MANE Select); coding-DNA position 79, one base deleted (C; older notation c.79delC).
Protein change: p.Arg27fs; shifts the reading frame from arginine 27.
Molecular consequence: frameshift variant.
Genome position (GRCh38, 1-based): chr6:43,052,710, G deleted on the plus strand (C on the coding strand, the reverse complement: CUL7 is on the minus strand); the first of 2 consecutive G bases (chr6:43,052,710-43,052,711); deleting either gives the same sequence. VCF-style (leftmost placement, unchanged base first): chr6-43052709-CG-C. GRCh37 (hg19) VCF-style: chr6-43020447-CG-C.
Other names: c.79del, p.Arg27fs (NM_001168370.2, NM_001374872.1, NM_001374873.1 and 1 more transcripts); short protein forms R27fs.
Identifiers: ClinVar variation 4768664 (VCV004768664.1).
Genomic context (GRCh38, chr6:43,052,709, plus strand): 5'-CGCCGCAGGATGAGCCAACGGATCTGGTACTCAGGATGCCCATCATGGCCCACGCGCTGG[CG>C]GATCAGCTCATCAGGATAGGCATGTAAGCCGGGCCCCAGGGGCACCCTGAATTCCCTGTA-3'

ClinVar aggregate classification (germline): Pathogenic (1 of 4 stars; one submission).

Submission:

Labcorp Genetics (formerly Invitae), Labcorp
Classification: Pathogenic. Last evaluated: 2026-01-11. Review status: criteria provided, single submitter. Criteria: Invitae Variant Classification Sherloc (09022015). Collection method: clinical testing. Allele origin: germline.
Comment: This sequence change creates a premature translational stop signal (p.Arg27Alafs*88) in the CUL7 gene. It is expected to result in an absent or disrupted protein product. Loss-of-function variants in CUL7 are known to be pathogenic (PMID: 16142236, 17675530, 19225462). This variant is not present in population databases (gnomAD no frequency). This variant has not been reported in the literature in individuals affected with CUL7-related conditions. For these reasons, this variant has been classified as Pathogenic.

Literature cited by the submitters: PubMed 16142236; PubMed 17675530; PubMed 19225462.